The following is an entry in ClinVar:

NM_022124.6(CDH23):c.6489G>C (p.Leu2163=)

Gene: CDH23 (cadherin related 23; plus strand). Cytogenetic location: 10q22.1.
Variant type: single nucleotide variant.
Coding change: c.6489G>C on transcript NM_022124.6 (MANE Select); coding-DNA position 6489, G replaced by C.
Protein change: p.Leu2163=; no amino-acid change (leucine 2163 retained).
Molecular consequence: synonymous variant.
Genome position (GRCh38, 1-based): chr10:71,793,417, G>C. VCF-style: chr10-71793417-G-C. GRCh37 (hg19) VCF-style: chr10-73553174-G-C.
Identifiers: ClinVar variation 46011 (VCV000046011.19), dbSNP rs111033493, ClinGen allele CA137535.

ClinVar aggregate classification (germline): Conflicting classifications of pathogenicity. Review status: criteria provided, conflicting classifications (1 of 4 stars). 6 submissions from 6 submitters: Uncertain significance (1); Likely benign (4). 1 of the submissions does not count toward it. Last evaluated 2026-08-01.

Conditions:
CDH23-related disorder. Also called: CDH23-related disorders; CDH23-related condition.
Usher syndrome type 1 (USH1). Also called: RETINITIS PIGMENTOSA AND CONGENITAL DEAFNESS. Identifiers: Orphanet 231169, Orphanet 886, MedGen C1568247, MONDO:0010168, OMIM 276900.

Allele frequency attached by ClinVar (database versions not stated): 1000 Genomes Project 30x 0.00016; ESP Exome Variant Server 0.00016; 1000 Genomes Project 0.00020; gnomAD 0.00022 and 0.00025; TOPMed 0.00029; gnomAD exomes 0.00006 and 0.00003; ExAC 0.00007.
gnomAD v4.1: 73 of 1,613,994 alleles (0.0045%); highest among the groups gnomAD compares: African/African-American, 0.088%; 1 homozygote.

Submissions (6):

PreventionGenetics, part of Exact Sciences
Classification: Likely benign for CDH23-related condition. Last evaluated: 2026-08-01. Review status: criteria provided, single submitter. Criteria: ACMG Guidelines, 2015. Collection method: clinical testing. Allele origin: germline.
Comment: This variant is classified as likely benign based on ACMG/AMP sequence variant interpretation guidelines (Richards et al. 2015 PMID: 25741868, with internal and published modifications).

Labcorp Genetics (formerly Invitae), Labcorp
Classification: Likely benign. Last evaluated: 2026-01-12. Review status: criteria provided, single submitter. Criteria: Invitae Variant Classification Sherloc (09022015). Collection method: clinical testing. Allele origin: germline.

Blueprint Genetics
Classification: Likely benign. Last evaluated: 2024-01-02. Review status: criteria provided, single submitter. Criteria: ACMG Guidelines, 2015. Collection method: clinical testing. Allele origin: germline.

Eurofins Ntd Llc (ga)
Classification: Uncertain significance. Last evaluated: 2014-08-28. Review status: criteria provided, single submitter. Criteria: EGL Classification Definitions 2015. Collection method: clinical testing. Allele origin: germline. Observed: 1 variant allele, 1 heterozygote.

Laboratory for Molecular Medicine, Mass General Brigham Personalized Medicine
Classification: Likely benign. Last evaluated: 2009-12-07. Review status: criteria provided, single submitter. Criteria: LMM Criteria. Collection method: clinical testing. Allele origin: germline. Observed: 2 variant alleles.

Natera, Inc.
Classification: Likely benign for Usher syndrome type 1. Last evaluated: 2019-11-11. Review status: no assertion criteria provided. Collection method: clinical testing. Allele origin: germline. Not counted in ClinVar's aggregate classification.